The following is an entry in ClinVar:

ClinVar aggregate classification (germline): Uncertain significance (1 of 4 stars; one submission).

Allele frequency attached by ClinVar (database versions not stated): gnomAD 0.00001; TOPMed 0.00001; ESP Exome Variant Server 0.00008.
gnomAD v4.1: 7 of 1,610,030 alleles (0.00043%); highest among the groups gnomAD compares: Non-Finnish European, 0.00059%; no homozygotes.

Submission:

Mayo Clinic Laboratories, Mayo Clinic
Classification: Uncertain significance. Last evaluated: 2023-01-30. Review status: criteria provided, single submitter. Criteria: ACMG Guidelines, 2015. Collection method: clinical testing. Allele origin: germline. Observed: 1 variant allele.
Comment: BP4

NM_139027.6(ADAMTS13):c.3400+109C>A

Gene: ADAMTS13 (ADAM metallopeptidase with thrombospondin type 1 motif 13; plus strand). Cytogenetic location: 9q34.2.
Variant type: single nucleotide variant.
Coding change: c.3400+109C>A on transcript NM_139027.6 (MANE Select); 109 bases into the intron after coding-DNA position 3400, C replaced by A.
Molecular consequence: intron variant. On other transcripts: missense variant (1).
Genome position (GRCh38, 1-based): chr9:133,455,544, C>A. VCF-style: chr9-133455544-C-A. GRCh37 (hg19) VCF-style: chr9-136320666-C-A.
Other names: p.Ser1170Tyr; c.3509C>A, p.Ser1170Tyr (NM_139025.5); c.3307+109C>A (NM_139026.6); short protein forms S1170Y.
Identifiers: ClinVar variation 2683083 (VCV002683083.1), dbSNP rs373910725, ClinGen allele CA200944249.